The following is an entry in ClinVar:

NM_001379200.1(TBX1):c.1256C>G (p.Pro419Arg)

Gene: TBX1 (T-box transcription factor 1; plus strand). Cytogenetic location: 22q11.21.
Variant type: single nucleotide variant.
Coding change: c.1256C>G on transcript NM_001379200.1 (MANE Select); coding-DNA position 1256, C replaced by G.
Protein change: p.Pro419Arg; replaces proline 419 with arginine.
Molecular consequence: missense variant. On other transcripts: intron variant (2).
Genome position (GRCh38, 1-based): chr22:19,766,608, C>G. VCF-style: chr22-19766608-C-G. GRCh37 (hg19) VCF-style: chr22-19754131-C-G.
Other names: c.1229C>G, p.Pro410Arg (NM_080647.1); c.1009+606C>G (NM_005992.1, NM_080646.2); short protein forms P410R, P419R.
Identifiers: ClinVar variation 1695767 (VCV001695767.2), dbSNP rs762467149, ClinGen allele CA410684714.

ClinVar aggregate classification (germline): Uncertain significance (1 of 4 stars; one submission).

Submission:

GeneDx
Classification: Uncertain significance. Last evaluated: 2022-01-07. Review status: criteria provided, single submitter. Criteria: GeneDx Variant Classification Process June 2021. Collection method: clinical testing. Allele origin: germline. Affected: yes.
Comment: Not observed at significant frequency in large population cohorts (gnomAD); In silico analysis supports that this missense variant does not alter protein structure/function; Has not been previously published as pathogenic or benign to our knowledge